The following is an entry in ClinVar:

ClinVar aggregate classification (germline): Uncertain significance (1 of 4 stars; one submission).

Conditions:
Tuberous sclerosis 2 (TSC2). Identifiers: Orphanet 805, MedGen C1860707, MONDO:0013199, OMIM 613254.

gnomAD v4.1: 2 of 1,601,216 alleles (0.00012%); highest among the groups gnomAD compares: South Asian, 0.0022%; no homozygotes.

Submission:

Labcorp Genetics (formerly Invitae), Labcorp
Classification: Uncertain significance for Tuberous sclerosis 2. Last evaluated: 2021-02-04. Review status: criteria provided, single submitter. Criteria: Invitae Variant Classification Sherloc (09022015). Collection method: clinical testing. Allele origin: germline.
Comment: In summary, the available evidence is currently insufficient to determine the role of this variant in disease. Therefore, it has been classified as a Variant of Uncertain Significance. Advanced modeling of protein sequence and biophysical properties (such as structural, functional, and spatial information, amino acid conservation, physicochemical variation, residue mobility, and thermodynamic stability) performed at Invitae indicates that this missense variant is not expected to disrupt TSC2 protein function. This variant has not been reported in the literature in individuals with TSC2-related conditions. This variant is not present in population databases (ExAC no frequency). This sequence change replaces alanine with threonine at codon 1467 of the TSC2 protein (p.Ala1467Thr). The alanine residue is moderately conserved and there is a small physicochemical difference between alanine and threonine.

NM_000548.5(TSC2):c.4399G>A (p.Ala1467Thr)

Gene: TSC2 (TSC complex subunit 2; plus strand). Cytogenetic location: 16p13.3.
Variant type: single nucleotide variant.
Coding change: c.4399G>A on transcript NM_000548.5 (MANE Select); coding-DNA position 4399, G replaced by A.
Protein change: p.Ala1467Thr; replaces alanine 1467 with threonine.
Molecular consequence: missense variant.
Genome position (GRCh38, 1-based): chr16:2,084,621, G>A. VCF-style: chr16-2084621-G-A. GRCh37 (hg19) VCF-style: chr16-2134622-G-A.
Other names: c.4198G>A, p.Ala1400Thr (NM_001077183.3); c.4330G>A, p.Ala1444Thr (NM_001114382.3); c.4090G>A, p.Ala1364Thr (NM_001318827.2); c.4054G>A, p.Ala1352Thr (NM_001318829.2); c.3667G>A, p.Ala1223Thr (NM_001318831.2); c.4231G>A, p.Ala1411Thr (NM_001318832.2); c.4201G>A, p.Ala1401Thr (NM_001363528.2); c.4267G>A, p.Ala1423Thr (NM_001370404.1); and 1 more; short protein forms A1467T, A1223T, A1400T, A1401T, A1411T, A1444T, A1352T, A1364T.
Identifiers: ClinVar variation 1369812 (VCV001369812.8), dbSNP rs774980656, ClinGen allele CA394301962.